The following is an entry in ClinVar:

NM_001843.4(CNTN1):c.62A>G (p.Glu21Gly)

Gene: CNTN1 (contactin 1; plus strand). Cytogenetic location: 12q12.
Variant type: single nucleotide variant.
Coding change: c.62A>G on transcript NM_001843.4 (MANE Select); coding-DNA position 62, A replaced by G.
Protein change: p.Glu21Gly; replaces glutamic acid 21 with glycine.
Molecular consequence: missense variant. On other transcripts: intron variant (1).
Genome position (GRCh38, 1-based): chr12:40,910,073, A>G. VCF-style: chr12-40910073-A-G. GRCh37 (hg19) VCF-style: chr12-41303875-A-G.
Other names: c.62A>G, p.Glu21Gly (NM_001256063.2, NM_001256064.2); c.61+1580A>G (NM_175038.2); short protein forms E21G.
Identifiers: ClinVar variation 1521481 (VCV001521481.8), dbSNP rs2136817438, ClinGen allele CA384421427.

ClinVar aggregate classification (germline): Uncertain significance (1 of 4 stars; one submission).

Conditions:
Compton-North congenital myopathy (CMYO12). Identifiers: Orphanet 210163, MedGen C2675527, MONDO:0012929, OMIM 612540.

Submission:

Labcorp Genetics (formerly Invitae), Labcorp
Classification: Uncertain significance for Compton-North congenital myopathy. Last evaluated: 2021-02-04. Review status: criteria provided, single submitter. Criteria: Invitae Variant Classification Sherloc (09022015). Collection method: clinical testing. Allele origin: germline.
Comment: In summary, the available evidence is currently insufficient to determine the role of this variant in disease. Therefore, it has been classified as a Variant of Uncertain Significance. Algorithms developed to predict the effect of missense changes on protein structure and function (SIFT, PolyPhen-2, Align-GVGD) all suggest that this variant is likely to be tolerated, but these predictions have not been confirmed by published functional studies and their clinical significance is uncertain. This variant has not been reported in the literature in individuals with CNTN1-related conditions. This variant is not present in population databases (ExAC no frequency). This sequence change replaces glutamic acid with glycine at codon 21 of the CNTN1 protein (p.Glu21Gly). The glutamic acid residue is moderately conserved and there is a moderate physicochemical difference between glutamic acid and glycine.